The following is an entry in ClinVar:

ClinVar aggregate classification (germline): Uncertain significance (1 of 4 stars; one submission).

Conditions:
Hereditary cancer-predisposing syndrome. Also called: Neoplastic Syndromes, Hereditary; Hereditary Cancer Syndrome; Tumor predisposition; Hereditary neoplastic syndrome. Identifiers: Orphanet 140162, MedGen C0027672, MeSH D009386, MONDO:0015356.

Submission:

Ambry Genetics
Classification: Uncertain significance for Hereditary cancer-predisposing syndrome. Last evaluated: 2025-03-14. Review status: criteria provided, single submitter. Criteria: Ambry Variant Classification Scheme 2023. Collection method: clinical testing. Allele origin: germline.
Comment: The c.4865A>T variant (also known as p.E1522V), located in coding exon 31 of the ATM gene, results from an A to T substitution at nucleotide position 4865. The glutamic acid at codon 1622 is replaced by valine, an amino acid with dissimilar properties. This nucleotide position is well conserved in available vertebrate species. In silico splice site analysis predicts that this alteration will result in the creation or strengthening of a novel splice donor site; however, direct evidence is insufficient at this time (Ambry internal data). This amino acid position is not well conserved in available vertebrate species. In addition, this alteration is predicted to be tolerated by in silico analysis. Based on the available evidence, the clinical significance of this variant remains unclear.

NM_000051.4(ATM):c.4865A>T (p.Glu1622Val)

Gene: ATM (ATM serine/threonine kinase; plus strand). Cytogenetic location: 11q22.3.
Variant type: single nucleotide variant.
Coding change: c.4865A>T on transcript NM_000051.4 (MANE Select); coding-DNA position 4865, A replaced by T.
Protein change: p.Glu1622Val; replaces glutamic acid 1622 with valine.
Molecular consequence: missense variant.
Genome position (GRCh38, 1-based): chr11:108,295,015, A>T. VCF-style: chr11-108295015-A-T. GRCh37 (hg19) VCF-style: chr11-108165742-A-T.
Other names: c.4865A>T, p.Glu1622Val (NM_001351834.2); short protein forms E1622V.
Identifiers: ClinVar variation 3803056 (VCV003803056.1).
Genomic context (GRCh38, chr11:108,295,015, plus strand): 5'-TTTATGATGCACTTCCATTGACAAGACTTGAAGGACTAAAGGATCTTCGAAGACAACTGG[A>T]ACTACATAAAGATCAGATGGTGGACATTATGAGAGCTTCTCAGGGTGCTAATTTTAAATG-3'
Protein context (NP_000042.3, residues 1612-1632): EGLKDLRRQL[Glu1622Val]LHKDQMVDIM